The following is an entry in ClinVar:

ClinVar aggregate classification (germline): Likely benign. Review status: criteria provided, single submitter (1 of 4 stars). 2 submissions from 2 submitters: Likely benign (1). 1 of the submissions does not count toward it. Last evaluated 2024-04-29.

Conditions:
RYR3-related disorder. Also called: RYR3-related condition.
Epileptic encephalopathy. Identifiers: MedGen C0543888, HP:0200134.

Allele frequency attached by ClinVar (database versions not stated): TOPMed 0.00005; gnomAD 0.00007 and 0.00008; gnomAD exomes 0.00008; ExAC 0.00012; ESP Exome Variant Server 0.00015.
gnomAD v4.1: 89 of 1,614,060 alleles (0.0055%); highest among the groups gnomAD compares: Middle Eastern, 0.082%; 1 homozygote.

Submissions (2):

Labcorp Genetics (formerly Invitae), Labcorp
Classification: Likely benign for Epileptic encephalopathy. Last evaluated: 2024-04-29. Review status: criteria provided, single submitter. Criteria: Invitae Variant Classification Sherloc (09022015). Collection method: clinical testing. Allele origin: germline.

PreventionGenetics, part of Exact Sciences
Classification: Likely benign for RYR3-related condition. Last evaluated: 2019-08-09. Review status: no assertion criteria provided. Collection method: clinical testing. Allele origin: germline. Not counted in ClinVar's aggregate classification.
Comment: This variant is classified as likely benign based on ACMG/AMP sequence variant interpretation guidelines (Richards et al. 2015 PMID: 25741868, with internal and published modifications).

NM_001036.6(RYR3):c.14058G>T (p.Val4686=)

Genes: RYR3 (ryanodine receptor 3; plus strand), AVEN (apoptosis and caspase activation inhibitor; minus strand). Cytogenetic location: 15q14.
Variant type: single nucleotide variant.
Coding change: c.14058G>T on transcript NM_001036.6 (MANE Select); coding-DNA position 14058, G replaced by T.
Protein change: p.Val4686=; no amino-acid change (valine 4686 retained).
Molecular consequence: synonymous variant.
Genome position (GRCh38, 1-based): chr15:33,857,830, G>T. VCF-style: chr15-33857830-G-T. GRCh37 (hg19) VCF-style: chr15-34150031-G-T.
Other names: c.14043G>T, p.Val4681= (NM_001243996.4); c.14058G>T (NM_001036.4).
Identifiers: ClinVar variation 1086732 (VCV001086732.11), dbSNP rs377333580, ClinGen allele CA7461888.